The following is an entry in ClinVar:

NM_199420.4(POLQ):c.7259A>G (p.Tyr2420Cys)

Gene: POLQ (DNA polymerase theta; minus strand). Cytogenetic location: 3q13.33.
Variant type: single nucleotide variant.
Coding change: c.7259A>G on transcript NM_199420.4 (MANE Select); coding-DNA position 7259, A replaced by G.
Protein change: p.Tyr2420Cys; replaces tyrosine 2420 with cysteine.
Molecular consequence: missense variant.
Genome position (GRCh38, 1-based): chr3:121,449,320, T>C on the plus strand (A>G on the coding strand, the complement: POLQ is on the minus strand). VCF-style: chr3-121449320-T-C. GRCh37 (hg19) VCF-style: chr3-121168167-T-C.
Other names: short protein forms Y2420C.
Identifiers: ClinVar variation 1049969 (VCV001049969.1), dbSNP rs150364457, ClinGen allele CA2562232.
Genomic context (GRCh38, chr3:121,449,320, plus strand): 5'-AAAAATATAATATGGTAAGATGGTTGAAAAGAATACTATCTAGAAGATAAATTACCTGTG[T>C]ATCTGGATTTGAAGGAGTCAATATAGCATGCAGCATCATTTTCTTTAATGCCCATCTGCT-3'
Protein context (NP_955452.3, residues 2410-2430): ACYIDSFKSR[Tyr2420Cys]TGINQFMTET

ClinVar aggregate classification (germline): Uncertain significance (0 of 4 stars; one submission).

Allele frequency attached by ClinVar (database versions not stated): 1000 Genomes Project 30x 0.00016; 1000 Genomes Project 0.00020; ExAC 0.00031; gnomAD 0.00034 and 0.00036; gnomAD exomes 0.00035 and 0.00044; TOPMed 0.00037; ESP Exome Variant Server 0.00046.
gnomAD v4.1: 619 of 1,425,062 alleles (0.043%); highest among the groups gnomAD compares: Non-Finnish European, 0.05%; no homozygotes.

Submission:

Department of Pathology and Laboratory Medicine, Sinai Health System
Classification: Uncertain significance. Review status: no assertion criteria provided. Collection method: clinical testing. Allele origin: unknown. Affected: yes. Study: The Canadian Open Genetics Repository (COGR).
Comment: The POLQ p.Tyr2420Cys variant was identified in 1 of 2092 proband chromosomes (frequency: 0.00048) from individuals with colorectal cancer (Raskin_2017_PMID:29212164). The variant was identified in dbSNP (ID: rs150364457) but was not identified in ClinVar, Cosmic, or LOVD 3.0 databases. The variant was identified in control databases in 95 of 281964 chromosomes at a frequency of 0.000337 (Genome Aggregation Database Feb 27, 2017). The variant was observed in the following populations: Ashkenazi Jewish in 16 of 10328 chromosomes (freq: 0.001549), European (non-Finnish) in 65 of 128854 chromosomes (freq: 0.000504), African in 8 of 24952 chromosomes (freq: 0.000321), Other in 1 of 7206 chromosomes (freq: 0.000139), Latino in 4 of 35282 chromosomes (freq: 0.000113) and European (Finnish) in 1 of 25104 chromosomes (freq: 0.00004) but was not observed in the East Asian or South Asian populations. The p.Tyr2420 residue is conserved in mammals but not in more distantly related organisms, and four out of five computational analyses (PolyPhen-2, SIFT, AlignGVGD, BLOSUM, MutationTaster) suggest that the variant may impact the protein; however, this information is not predictive enough to assume pathogenicity. The variant occurs outside of the splicing consensus sequence and in silico or computational prediction software programs (SpliceSiteFinder, MaxEntScan, NNSPLICE, GeneSplicer) do not predict a difference in splicing. In summary, based on the above information the clinical significance of this variant cannot be determined with certainty at this time. This variant is classified as a variant of uncertain significance.